The following is an entry in ClinVar:

ClinVar aggregate classification (germline): Likely benign. Review status: criteria provided, single submitter (1 of 4 stars). 2 submissions from 2 submitters: Likely benign (1). 1 of the submissions does not count toward it. Last evaluated 2024-11-21.

Conditions:
INO80-related disorder. Also called: INO80-related condition.

gnomAD v4.1: 88 of 1,614,056 alleles (0.0055%); highest among the groups gnomAD compares: Non-Finnish European, 0.0069%; 1 homozygote.

Submissions (2):

Ambry Genetics
Classification: Likely benign. Last evaluated: 2024-11-21. Review status: criteria provided, single submitter. Criteria: Ambry Variant Classification Scheme 2023. Collection method: clinical testing. Allele origin: germline.

PreventionGenetics, part of Exact Sciences
Classification: Uncertain significance for INO80-related condition. Last evaluated: 2024-03-28. Review status: no assertion criteria provided. Collection method: clinical testing. Allele origin: germline. Not counted in ClinVar's aggregate classification.
Comment: The INO80 c.2399A>C variant is predicted to result in the amino acid substitution p.Asn800Thr. To our knowledge, this variant has not been reported in the literature. This variant is reported in 0.0058% of alleles in individuals of Latino descent in gnomAD, including one homozygote. Although we suspect that this variant may be benign, at this time, the clinical significance of this variant is uncertain due to the absence of conclusive functional and genetic evidence.

NM_017553.3(INO80):c.2399A>C (p.Asn800Thr)

Gene: INO80 (INO80 complex ATPase subunit; minus strand). Cytogenetic location: 15q15.1.
Variant type: single nucleotide variant.
Coding change: c.2399A>C on transcript NM_017553.3 (MANE Select); coding-DNA position 2399, A replaced by C.
Protein change: p.Asn800Thr; replaces asparagine 800 with threonine.
Molecular consequence: missense variant. On other transcripts: non-coding transcript variant (1).
Genome position (GRCh38, 1-based): chr15:41,049,978, T>G on the plus strand (A>C on the coding strand, the complement: INO80 is on the minus strand). VCF-style: chr15-41049978-T-G. GRCh37 (hg19) VCF-style: chr15-41342176-T-G.
Other names: c.2399A>C (NM_017553.1); short protein forms N800T.
Identifiers: ClinVar variation 3356941 (VCV003356941.2).